The following is an entry in ClinVar:

ClinVar aggregate classification (germline): Uncertain significance (1 of 4 stars; one submission).

Conditions:
Brugada syndrome 8 (BRGDA8). Identifiers: Orphanet 130, MedGen C2751083, MONDO:0013148, OMIM 613123.

Allele frequency attached by ClinVar (database versions not stated): TOPMed below 0.00001; gnomAD 0.00001.
gnomAD v4.1: 2 of 1,346,680 alleles (0.00015%); highest among the groups gnomAD compares: East Asian, 0.003%; no homozygotes.

Submission:

Labcorp Genetics (formerly Invitae), Labcorp
Classification: Uncertain significance for Brugada syndrome 8. Last evaluated: 2025-02-26. Review status: criteria provided, single submitter. Criteria: Invitae Variant Classification Sherloc (09022015). Collection method: clinical testing. Allele origin: germline.
Comment: This sequence change replaces glycine, which is neutral and non-polar, with cysteine, which is neutral and slightly polar, at codon 104 of the HCN4 protein (p.Gly104Cys). This variant is not present in population databases (gnomAD no frequency). This variant has not been reported in the literature in individuals affected with HCN4-related conditions. ClinVar contains an entry for this variant (Variation ID: 578901). Invitae Evidence Modeling of protein sequence and biophysical properties (such as structural, functional, and spatial information, amino acid conservation, physicochemical variation, residue mobility, and thermodynamic stability) indicates that this missense variant is not expected to disrupt HCN4 protein function with a negative predictive value of 95%. In summary, the available evidence is currently insufficient to determine the role of this variant in disease. Therefore, it has been classified as a Variant of Uncertain Significance.

NM_005477.3(HCN4):c.310G>T (p.Gly104Cys)

Gene: HCN4 (hyperpolarization activated cyclic nucleotide gated potassium channel 4; minus strand). Cytogenetic location: 15q24.1.
Variant type: single nucleotide variant.
Coding change: c.310G>T on transcript NM_005477.3 (MANE Select); coding-DNA position 310, G replaced by T.
Protein change: p.Gly104Cys; replaces glycine 104 with cysteine.
Molecular consequence: missense variant.
Genome position (GRCh38, 1-based): chr15:73,367,961, C>A on the plus strand (G>T on the coding strand, the complement: HCN4 is on the minus strand). VCF-style: chr15-73367961-C-A. GRCh37 (hg19) VCF-style: chr15-73660302-C-A.
Other names: short protein forms G104C.
Identifiers: ClinVar variation 578901 (VCV000578901.8), dbSNP rs757662055, ClinGen allele CA393098416.
Genomic context (GRCh38, chr15:73,367,961, plus strand): 5'-CATGCAGGTGTCCGTGACTGCTGCCGCTCCCCGTGCCGCCGCTGCCGCCGCCCCGGCTGC[C>A]CAGCGAGGCCAGGCTCCCGCGGAAGCGCCTGCAGTCGCCGTTCGTGCTGGACTTGCCCGC-3'
Protein context (NP_005468.1, residues 94-114): RRFRGSLASL[Gly104Cys]SRGGGSGGTG